The following is an entry in ClinVar:

NM_001146.5(ANGPT1):c.710T>C (p.Leu237Ser)

Gene: ANGPT1 (angiopoietin 1; minus strand). Cytogenetic location: 8q23.1.
Variant type: single nucleotide variant.
Coding change: c.710T>C on transcript NM_001146.5 (MANE Select); coding-DNA position 710, T replaced by C.
Protein change: p.Leu237Ser; replaces leucine 237 with serine.
Molecular consequence: missense variant.
Genome position (GRCh38, 1-based): chr8:107,321,994, A>G on the plus strand (T>C on the coding strand, the complement: ANGPT1 is on the minus strand). VCF-style: chr8-107321994-A-G. GRCh37 (hg19) VCF-style: chr8-108334222-A-G.
Other names: c.710T>C, p.Leu237Ser (NM_001199859.3); c.110T>C, p.Leu37Ser (NM_001314051.2); short protein forms L237S, L37S.
Identifiers: ClinVar variation 4808324 (VCV004808324.1).

ClinVar aggregate classification (germline): Uncertain significance (1 of 4 stars; one submission).

gnomAD v4.1: 3 of 1,613,948 alleles (0.00019%); highest among the groups gnomAD compares: Non-Finnish European, 0.00025%; no homozygotes.

Submission:

Labcorp Genetics (formerly Invitae), Labcorp
Classification: Uncertain significance. Last evaluated: 2025-11-06. Review status: criteria provided, single submitter. Criteria: Invitae Variant Classification Sherloc (09022015). Collection method: clinical testing. Allele origin: germline.
Comment: This sequence change replaces leucine, which is neutral and non-polar, with serine, which is neutral and polar, at codon 237 of the ANGPT1 protein (p.Leu237Ser). This variant is not present in population databases (gnomAD no frequency). This variant has not been reported in the literature in individuals affected with ANGPT1-related conditions. An algorithm developed to predict the effect of missense changes on protein structure and function (PolyPhen-2) suggests that this variant is likely to be disruptive. In summary, the available evidence is currently insufficient to determine the role of this variant in disease. Therefore, it has been classified as a Variant of Uncertain Significance.